The following is an entry in ClinVar:

ClinVar aggregate classification (germline): Uncertain significance (1 of 4 stars; one submission).

Conditions:
Autosomal recessive polycystic kidney disease (ARPKD). Also called: AR polycystic kidney disease. Identifiers: Orphanet 731, Orphanet 8378, MedGen C0085548, MeSH D017044, MONDO:0009889.

Submission:

Labcorp Genetics (formerly Invitae), Labcorp
Classification: Uncertain significance for Autosomal recessive polycystic kidney disease. Last evaluated: 2025-06-12. Review status: criteria provided, single submitter. Criteria: Invitae Variant Classification Sherloc (09022015). Collection method: clinical testing. Allele origin: germline.
Comment: This variant, c.2733_2734insTGCCCAGGTTCAGGT, is a complex sequence change that results in the deletion of 2 and insertion of 5 amino acid(s) in the PKHD1 protein (p.Asn911_Asp912insCysProGlySerGly). This variant is not present in population databases (gnomAD no frequency). This variant has not been reported in the literature in individuals affected with PKHD1-related conditions. ClinVar contains an entry for this variant (Variation ID: 1387721). Experimental studies and prediction algorithms are not available or were not evaluated, and the functional significance of this variant is currently unknown. In summary, the available evidence is currently insufficient to determine the role of this variant in disease. Therefore, it has been classified as a Variant of Uncertain Significance.

NM_138694.4(PKHD1):c.2733_2734insTGCCCAGGTTCAGGT (p.Asn911_Asp912insCysProGlySerGly)

Gene: PKHD1 (PKHD1 ciliary IPT domain containing fibrocystin/polyductin; minus strand). Cytogenetic location: 6p12.2.
Variant type: Insertion.
Coding change: c.2733_2734insTGCCCAGGTTCAGGT on transcript NM_138694.4 (MANE Select); coding-DNA positions 2733 to 2734, TGCCCAGGTTCAGGT inserted.
Protein change: p.Asn911_Asp912insCysProGlySerGly.
Molecular consequence: inframe insertion.
Genome position: GRCh38 VCF-style: chr6-52043712-C-CACCTGAACCTGGGCA. GRCh37 (hg19) VCF-style: chr6-51908510-C-CACCTGAACCTGGGCA.
Other names: c.2733_2734insTGCCCAGGTTCAGGT, p.Asn911_Asp912insCysProGlySerGly (NM_170724.3).
Identifiers: ClinVar variation 1387721 (VCV001387721.6), dbSNP rs2128184195, ClinGen allele CA2573140965.